The following is an entry in ClinVar:

ClinVar aggregate classification (germline): Uncertain significance (1 of 4 stars; one submission).

Conditions:
Autoimmune interstitial lung disease-arthritis syndrome. Also called: Autoinflammation and autoimmunity, systemic, with immune dysregulation. Identifiers: Orphanet 444092, MedGen C5975714, MONDO:0014629.

Submission:

Labcorp Genetics (formerly Invitae), Labcorp
Classification: Uncertain significance for Autoimmune interstitial lung disease-arthritis syndrome. Last evaluated: 2022-03-24. Review status: criteria provided, single submitter. Criteria: Invitae Variant Classification Sherloc (09022015). Collection method: clinical testing. Allele origin: germline.
Comment: In summary, the available evidence is currently insufficient to determine the role of this variant in disease. Therefore, it has been classified as a Variant of Uncertain Significance. This sequence change replaces serine, which is neutral and polar, with phenylalanine, which is neutral and non-polar, at codon 173 of the COPA protein (p.Ser173Phe). This variant is not present in population databases (gnomAD no frequency). This variant has not been reported in the literature in individuals affected with COPA-related conditions. Advanced modeling of protein sequence and biophysical properties (such as structural, functional, and spatial information, amino acid conservation, physicochemical variation, residue mobility, and thermodynamic stability) performed at Invitae indicates that this missense variant is not expected to disrupt COPA protein function.

NM_004371.4(COPA):c.518C>T (p.Ser173Phe)

Gene: COPA (coat protein complex I subunit alpha; minus strand). Cytogenetic location: 1q23.2.
Variant type: single nucleotide variant.
Coding change: c.518C>T on transcript NM_004371.4 (MANE Select); coding-DNA position 518, C replaced by T.
Protein change: p.Ser173Phe; replaces serine 173 with phenylalanine.
Molecular consequence: missense variant.
Genome position (GRCh38, 1-based): chr1:160,325,631, G>A on the plus strand (C>T on the coding strand, the complement: COPA is on the minus strand). VCF-style: chr1-160325631-G-A. GRCh37 (hg19) VCF-style: chr1-160295421-G-A.
Other names: c.518C>T, p.Ser173Phe (NM_001098398.2); short protein forms S173F.
Identifiers: ClinVar variation 2116523 (VCV002116523.4), dbSNP rs2525439421, ClinGen allele CA343267501.